The following is an entry in ClinVar:

NM_001384732.1(CPLANE1):c.1271G>A (p.Arg424Gln)

Gene: CPLANE1 (ciliogenesis and planar polarity effector complex subunit 1; minus strand). Cytogenetic location: 5p13.2.
Variant type: single nucleotide variant.
Coding change: c.1271G>A on transcript NM_001384732.1 (MANE Select); coding-DNA position 1271, G replaced by A.
Protein change: p.Arg424Gln; replaces arginine 424 with glutamine.
Molecular consequence: missense variant.
Genome position (GRCh38, 1-based): chr5:37,227,668, C>T on the plus strand (G>A on the coding strand, the complement: CPLANE1 is on the minus strand). VCF-style: chr5-37227668-C-T. GRCh37 (hg19) VCF-style: chr5-37227770-C-T.
Other names: c.1271G>A, p.Arg424Gln (NM_023073.4); short protein forms R424Q.
Identifiers: ClinVar variation 1047040 (VCV001047040.9), dbSNP rs369204500, ClinGen allele CA3239116.

ClinVar aggregate classification (germline): Conflicting classifications of pathogenicity. Review status: criteria provided, conflicting classifications (1 of 4 stars). 5 submissions from 5 submitters: Uncertain significance (4); Likely benign (1). Last evaluated 2024-10-31.

Conditions:
Inborn genetic diseases. Identifiers: MedGen C0950123, MeSH D030342.
Orofaciodigital syndrome type 6 (OFD6). Also called: OROFACIODIGITAL SYNDROME VI; OFDS VI; POLYDACTYLY, CLEFT LIP/PALATE OR LINGUAL LUMP, AND PSYCHOMOTOR RETARDATION; VARADI SYNDROME; VARADI-PAPP SYNDROME; Oral-facial-digital syndrome type 6. Identifiers: Orphanet 2754, MedGen C2745997, MONDO:0010176, OMIM 277170.
Joubert syndrome 17 (JBTS17). Identifiers: Orphanet 475, MedGen C3553264, MONDO:0013824, OMIM 614615.

Allele frequency attached by ClinVar (database versions not stated): ExAC 0.00005; gnomAD 0.00011 and 0.00012; TOPMed 0.00012; gnomAD exomes 0.00013 and 0.00019; ESP Exome Variant Server 0.00022.
gnomAD v4.1: 276 of 1,551,224 alleles (0.018%); highest among the groups gnomAD compares: Non-Finnish European, 0.022%; no homozygotes.

Submissions (5):

Blueprint Genetics
Classification: Uncertain significance. Last evaluated: 2024-10-31. Review status: criteria provided, single submitter. Criteria: ACMG Guidelines, 2015. Collection method: clinical testing. Allele origin: germline.

Ambry Genetics
Classification: Likely benign for Inborn genetic diseases. Last evaluated: 2024-05-03. Review status: criteria provided, single submitter. Criteria: Ambry Variant Classification Scheme 2023. Collection method: clinical testing. Allele origin: germline.

Fulgent Genetics
Classification: Uncertain significance for Orofaciodigital syndrome type 6; Joubert syndrome 17. Last evaluated: 2024-03-08. Review status: criteria provided, single submitter. Criteria: ACMG Guidelines, 2015. Collection method: clinical testing. Allele origin: germline.

Labcorp Genetics (formerly Invitae), Labcorp
Classification: Uncertain significance. Last evaluated: 2022-08-21. Review status: criteria provided, single submitter. Criteria: Invitae Variant Classification Sherloc (09022015). Collection method: clinical testing. Allele origin: germline.
Comment: This sequence change replaces arginine, which is basic and polar, with glutamine, which is neutral and polar, at codon 424 of the CPLANE1 protein (p.Arg424Gln). This variant is present in population databases (rs369204500, gnomAD 0.03%). This variant has not been reported in the literature in individuals affected with CPLANE1-related conditions. ClinVar contains an entry for this variant (Variation ID: 1047040). Advanced modeling of protein sequence and biophysical properties (such as structural, functional, and spatial information, amino acid conservation, physicochemical variation, residue mobility, and thermodynamic stability) performed at Invitae indicates that this missense variant is not expected to disrupt CPLANE1 protein function. In summary, the available evidence is currently insufficient to determine the role of this variant in disease. Therefore, it has been classified as a Variant of Uncertain Significance.

GeneDx
Classification: Uncertain significance. Last evaluated: 2020-06-22. Review status: criteria provided, single submitter. Criteria: GeneDx Variant Classification Process June 2021. Collection method: clinical testing. Allele origin: germline. Affected: yes.
Comment: In silico analysis supports that this missense variant does not alter protein structure/function; Has not been previously published as pathogenic or benign to our knowledge